The following is an entry in ClinVar:

ClinVar aggregate classification (germline): Uncertain significance. Review status: criteria provided, multiple submitters, no conflicts (2 of 4 stars). 2 submissions from 2 submitters: Uncertain significance (2). Last evaluated 2026-06-24.

Conditions:
Hereditary cancer-predisposing syndrome. Also called: Tumor predisposition; Hereditary neoplastic syndrome; Hereditary Cancer Syndrome; Neoplastic Syndromes, Hereditary. Identifiers: Orphanet 140162, MedGen C0027672, MeSH D009386, MONDO:0015356.

Submissions (2):

Ambry Genetics
Classification: Uncertain significance for Hereditary cancer-predisposing syndrome. Last evaluated: 2026-06-24. Review status: criteria provided, single submitter. Criteria: Ambry Variant Classification Scheme 2023. Collection method: clinical testing. Allele origin: germline.
Comment: The p.L236R variant (also known as c.707T>G), located in coding exon 7 of the POLE gene, results from a T to G substitution at nucleotide position 707. The leucine at codon 236 is replaced by arginine, an amino acid with dissimilar properties. This amino acid position is conserved. In addition, the in silico prediction for this alteration is inconclusive. Based on the available evidence, the clinical significance of this variant remains unclear.

Labcorp Genetics (formerly Invitae), Labcorp
Classification: Uncertain significance. Last evaluated: 2024-12-12. Review status: criteria provided, single submitter. Criteria: Invitae Variant Classification Sherloc (09022015). Collection method: clinical testing. Allele origin: germline.
Comment: This sequence change replaces leucine, which is neutral and non-polar, with arginine, which is basic and polar, at codon 236 of the POLE protein (p.Leu236Arg). This variant is not present in population databases (gnomAD no frequency). This variant has not been reported in the literature in individuals affected with POLE-related conditions. Invitae Evidence Modeling of protein sequence and biophysical properties (such as structural, functional, and spatial information, amino acid conservation, physicochemical variation, residue mobility, and thermodynamic stability) indicates that this missense variant is not expected to disrupt POLE protein function with a negative predictive value of 80%. In summary, the available evidence is currently insufficient to determine the role of this variant in disease. Therefore, it has been classified as a Variant of Uncertain Significance.

NM_006231.4(POLE):c.707T>G (p.Leu236Arg)

Gene: POLE (DNA polymerase epsilon, catalytic subunit; minus strand). Cytogenetic location: 12q24.33.
Variant type: single nucleotide variant.
Coding change: c.707T>G on transcript NM_006231.4 (MANE Select); coding-DNA position 707, T replaced by G.
Protein change: p.Leu236Arg; replaces leucine 236 with arginine.
Molecular consequence: missense variant.
Genome position (GRCh38, 1-based): chr12:132,677,591, A>C on the plus strand (T>G on the coding strand, the complement: POLE is on the minus strand). VCF-style: chr12-132677591-A-C. GRCh37 (hg19) VCF-style: chr12-133254177-A-C.
Other names: c.707T>G (NM_006231.2); short protein forms L236R.
Identifiers: ClinVar variation 3684819 (VCV003684819.3).